The following is an entry in ClinVar:

NM_000553.6(WRN):c.4116G>C (p.Arg1372Ser)

Gene: WRN (WRN RecQ like helicase; plus strand). Cytogenetic location: 8p12.
Variant type: single nucleotide variant.
Coding change: c.4116G>C on transcript NM_000553.6 (MANE Select); coding-DNA position 4116, G replaced by C.
Protein change: p.Arg1372Ser; replaces arginine 1372 with serine.
Molecular consequence: missense variant.
Genome position (GRCh38, 1-based): chr8:31,167,155, G>C. VCF-style: chr8-31167155-G-C. GRCh37 (hg19) VCF-style: chr8-31024671-G-C.
Other names: short protein forms R1372S.
Identifiers: ClinVar variation 657399 (VCV000657399.4), dbSNP rs1585550128, ClinGen allele CA370909653.

ClinVar aggregate classification (germline): Uncertain significance (1 of 4 stars; one submission).

Conditions:
Werner syndrome (WRN). Identifiers: Orphanet 902, MedGen C0043119, MONDO:0010196, OMIM 277700.

Submission:

Labcorp Genetics (formerly Invitae), Labcorp
Classification: Uncertain significance for Werner syndrome. Last evaluated: 2018-07-26. Review status: criteria provided, single submitter. Criteria: Invitae Variant Classification Sherloc (09022015). Collection method: clinical testing. Allele origin: germline.
Comment: This sequence change replaces arginine with serine at codon 1372 of the WRN protein (p.Arg1372Ser). The arginine residue is weakly conserved and there is a moderate physicochemical difference between arginine and serine. This variant is not present in population databases (ExAC no frequency). This variant has not been reported in the literature in individuals with WRN-related disease. Algorithms developed to predict the effect of missense changes on protein structure and function are either unavailable or do not agree on the potential impact of this missense change (SIFT: "Tolerated"; PolyPhen-2: "Benign"; Align-GVGD: "Class C0"). In summary, the available evidence is currently insufficient to determine the role of this variant in disease. Therefore, it has been classified as a Variant of Uncertain Significance.